The following is an entry in ClinVar:

ClinVar aggregate classification (germline): Uncertain significance (1 of 4 stars; one submission).

Conditions:
X-linked lymphoproliferative disease due to XIAP deficiency. Also called: XIAP DEFICIENCY; XIAP-Related Lymphoproliferative Disease, X-Linked. Identifiers: Orphanet 2442, Orphanet 538934, MedGen C1845076, MONDO:0010385, OMIM 300635.

gnomAD v4.1: 3 of 1,212,064 alleles (0.00025%); highest among the groups gnomAD compares: Non-Finnish European, 0.00033%; no homozygotes.

Submission:

Labcorp Genetics (formerly Invitae), Labcorp
Classification: Uncertain significance for X-linked lymphoproliferative disease due to XIAP deficiency. Last evaluated: 2024-03-21. Review status: criteria provided, single submitter. Criteria: Invitae Variant Classification Sherloc (09022015). Collection method: clinical testing. Allele origin: germline.
Comment: This sequence change replaces arginine, which is basic and polar, with glycine, which is neutral and non-polar, at codon 182 of the XIAP protein (p.Arg182Gly). This variant is present in population databases (rs747856847, gnomAD 0.001%). This variant has not been reported in the literature in individuals affected with XIAP-related conditions. Advanced modeling of protein sequence and biophysical properties (such as structural, functional, and spatial information, amino acid conservation, physicochemical variation, residue mobility, and thermodynamic stability) performed at Invitae indicates that this missense variant is not expected to disrupt XIAP protein function with a negative predictive value of 80%. In summary, the available evidence is currently insufficient to determine the role of this variant in disease. Therefore, it has been classified as a Variant of Uncertain Significance.

NM_001167.4(XIAP):c.544A>G (p.Arg182Gly)

Gene: XIAP (X-linked inhibitor of apoptosis; plus strand). Cytogenetic location: Xq25.
Variant type: single nucleotide variant.
Coding change: c.544A>G on transcript NM_001167.4 (MANE Select); coding-DNA position 544, A replaced by G.
Protein change: p.Arg182Gly; replaces arginine 182 with glycine.
Molecular consequence: missense variant.
Genome position (GRCh38, 1-based): chrX:123,886,206, A>G. VCF-style: chrX-123886206-A-G. GRCh37 (hg19) VCF-style: chrX-123020056-A-G.
Other names: c.544A>G, p.Arg182Gly (NM_001204401.2, NM_001378590.1, NM_001378591.1 and 1 more transcripts); short protein forms R182G.
Identifiers: ClinVar variation 3647201 (VCV003647201.2).